The following is an entry in ClinVar:

NM_001242957.3(MAK):c.1356_1357del (p.Glu454fs)

Gene: MAK (male germ cell associated kinase; minus strand). Cytogenetic location: 6p24.2.
Variant type: Deletion.
Coding change: c.1356_1357del on transcript NM_001242957.3 (MANE Select); coding-DNA positions 1356 to 1357, 2 bases deleted (AG; older notation c.1356_1357delAG).
Protein change: p.Glu454fs; shifts the reading frame from glutamic acid 454.
Molecular consequence: frameshift variant. On other transcripts: non-coding transcript variant (2).
Genome position (GRCh38, 1-based): chr6:10,784,532-10,784,533, CT deleted on the plus strand (AG on the coding strand, the reverse complement: MAK is on the minus strand). VCF-style (leftmost placement, unchanged base first): chr6-10784531-CCT-C. GRCh37 (hg19) VCF-style: chr6-10784764-CCT-C.
Other names: c.1356_1357del, p.Glu454fs (NM_001242385.2, NM_005906.6); c.1254_1255del, p.Glu420fs (NM_001377262.1); c.1356_1357delAG (NM_001242957.2); short protein forms E420fs, E454fs.
Identifiers: ClinVar variation 866153 (VCV000866153.12), dbSNP rs762837543, ClinGen allele CA134107869.

ClinVar aggregate classification (germline): Pathogenic/Likely pathogenic. Review status: criteria provided, multiple submitters, no conflicts (2 of 4 stars). 4 submissions from 4 submitters: Pathogenic (3); Likely pathogenic (1). Last evaluated 2026-02-03.

Conditions:
MAK-related disorders.
MAK-related disorder. Also called: MAK-related condition.
Retinitis pigmentosa 62 (RP62). Identifiers: Orphanet 791, MedGen C3280042, MONDO:0013611, OMIM 614181.

Allele frequency attached by ClinVar (database versions not stated): gnomAD exomes 0.00001 and 0.00002; TOPMed 0.00001; gnomAD 0.00002.

Submissions (4):

PreventionGenetics, part of Exact Sciences
Classification: Pathogenic for MAK-related condition. Last evaluated: 2026-02-03. Review status: criteria provided, single submitter. Criteria: ACMG Guidelines, 2015. Collection method: clinical testing. Allele origin: germline.
Comment: The MAK c.1356_1357delAG variant is predicted to result in a frameshift and premature protein termination (p.Glu454Lysfs*13). This variant was reported, along with a second protein-truncating variant, in a patient with retinitis pigmentosa (supplementary data, Schlottmann et al. 2023. PubMed ID: 37217489). This variant is reported in 0.0031% of alleles in individuals of European (Non-Finnish) descent in gnomAD. Frameshift variants in MAK are expected to be pathogenic. This variant is interpreted as pathogenic.

Labcorp Genetics (formerly Invitae), Labcorp
Classification: Pathogenic. Last evaluated: 2026-01-19. Review status: criteria provided, single submitter. Criteria: Invitae Variant Classification Sherloc (09022015). Collection method: clinical testing. Allele origin: germline.
Comment: This sequence change creates a premature translational stop signal (p.Glu454Lysfs*13) in the MAK gene. It is expected to result in an absent or disrupted protein product. Loss-of-function variants in MAK are known to be pathogenic (PMID: 21148103, 21825139, 24938718, 29781741). This variant is present in population databases (rs762837543, gnomAD 0.003%). This variant has not been reported in the literature in individuals affected with MAK-related conditions. ClinVar contains an entry for this variant (Variation ID: 866153). For these reasons, this variant has been classified as Pathogenic.

Revvity Omics, Revvity
Classification: Likely pathogenic for Retinitis pigmentosa 62. Last evaluated: 2020-07-19. Review status: criteria provided, single submitter. Criteria: ACMG Guidelines, 2015. Collection method: clinical testing. Allele origin: germline.

Blueprint Genetics
Classification: Pathogenic for MAK-related disorders. Last evaluated: 2018-05-21. Review status: criteria provided, single submitter. Criteria: ACMG Guidelines, 2015. Collection method: clinical testing. Allele origin: germline. Affected: yes. Observed: 5 variant alleles.

Literature cited by the submitters: PubMed 21148103 (cited by Labcorp Genetics (formerly Invitae), Labcorp); PubMed 21825139 (cited by Labcorp Genetics (formerly Invitae), Labcorp); PubMed 24938718 (cited by Labcorp Genetics (formerly Invitae), Labcorp); PubMed 29781741 (cited by Labcorp Genetics (formerly Invitae), Labcorp).